The following is an entry in ClinVar:

ClinVar aggregate classification (germline): Uncertain significance (1 of 4 stars; one submission).

Conditions:
Fibrous dysplasia of jaw (CRBM). Also called: Cherubism. Identifiers: Orphanet 184, MedGen C0008029, MONDO:0007315, OMIM 118400.

Submission:

Labcorp Genetics (formerly Invitae), Labcorp
Classification: Uncertain significance for Fibrous dysplasia of jaw. Last evaluated: 2023-05-28. Review status: criteria provided, single submitter. Criteria: Invitae Variant Classification Sherloc (09022015). Collection method: clinical testing. Allele origin: unknown.
Comment: In summary, the available evidence is currently insufficient to determine the role of this variant in disease. Therefore, it has been classified as a Variant of Uncertain Significance. Experimental studies and prediction algorithms are not available or were not evaluated, and the functional significance of this variant is currently unknown. This variant has not been reported in the literature in individuals affected with SH3BP2-related conditions. This variant results in a copy number gain of the genomic region encompassing exon(s) 2-5 of the SH3BP2 gene. This region includes the initiator codon of the gene. This copy number gain extends beyond the assayed region for this gene and therefore may encompass additional genes. As the precise location of this event is unknown, it may be in tandem or it may be located elsewhere in the genome.

NC_000004.11:g.(?_2822345)_(2826943_?)dup

Gene: SH3BP2 (SH3 domain binding protein 2; plus strand). Cytogenetic location: 4p16.3.
Variant type: Duplication.
Identifiers: ClinVar variation 3246581 (VCV003246581.1).